The following is an entry in ClinVar:

ClinVar aggregate classification (germline): Uncertain significance (1 of 4 stars; one submission).

Conditions:
RAB23-related disorder. Also called: RAB23-related condition.

gnomAD v4.1: 17 of 1,612,642 alleles (0.0011%); highest among the groups gnomAD compares: African/African-American, 0.0013%; no homozygotes.

Submission:

PreventionGenetics, part of Exact Sciences
Classification: Uncertain significance for RAB23-related condition. Last evaluated: 2026-07-06. Review status: criteria provided, single submitter. Criteria: ACMG Guidelines, 2015. Collection method: clinical testing. Allele origin: germline.
Comment: The RAB23 c.551C>A variant is predicted to result in the amino acid substitution p.Thr184Lys. To our knowledge, this variant has not been reported in the literature. This variant is reported in 0.0062% of alleles in individuals of African descent in gnomAD. At this time, the clinical significance of this variant is uncertain due to the absence of conclusive functional and genetic evidence.

NM_016277.5(RAB23):c.551C>A (p.Thr184Lys)

Gene: RAB23 (RAB23, member RAS oncogene family; minus strand). Cytogenetic location: 6p12.1.
Variant type: single nucleotide variant.
Coding change: c.551C>A on transcript NM_016277.5 (MANE Select); coding-DNA position 551, C replaced by A.
Protein change: p.Thr184Lys; replaces threonine 184 with lysine.
Molecular consequence: missense variant. On other transcripts: non-coding transcript variant (1).
Genome position (GRCh38, 1-based): chr6:57,193,865, G>T on the plus strand (C>A on the coding strand, the complement: RAB23 is on the minus strand). VCF-style: chr6-57193865-G-T. GRCh37 (hg19) VCF-style: chr6-57058663-G-T.
Other names: c.551C>A, p.Thr184Lys (NM_001278666.2, NM_001278667.2, NM_001278668.2 and 1 more transcripts); short protein forms T184K.
Identifiers: ClinVar variation 4989532 (VCV004989532.1).